The following is an entry in ClinVar:

ClinVar aggregate classification (germline): Uncertain significance (1 of 4 stars; one submission).

Conditions:
MOGS-congenital disorder of glycosylation. Also called: CDG 2B; MOGS-CDG; CDG IIb; GLUCOSIDASE I DEFICIENCY. Identifiers: Orphanet 79330, MedGen C1853736, MONDO:0011629, OMIM 606056.

Submission:

Labcorp Genetics (formerly Invitae), Labcorp
Classification: Uncertain significance for MOGS-congenital disorder of glycosylation. Last evaluated: 2023-08-17. Review status: criteria provided, single submitter. Criteria: Invitae Variant Classification Sherloc (09022015). Collection method: clinical testing. Allele origin: germline.
Comment: This variant has not been reported in the literature in individuals affected with MOGS-related conditions. This variant is not present in population databases (gnomAD no frequency). This sequence change replaces serine, which is neutral and polar, with asparagine, which is neutral and polar, at codon 639 of the MOGS protein (p.Ser639Asn). Advanced modeling of protein sequence and biophysical properties (such as structural, functional, and spatial information, amino acid conservation, physicochemical variation, residue mobility, and thermodynamic stability) performed at Invitae indicates that this missense variant is not expected to disrupt MOGS protein function. In summary, the available evidence is currently insufficient to determine the role of this variant in disease. Therefore, it has been classified as a Variant of Uncertain Significance. ClinVar contains an entry for this variant (Variation ID: 566317).

NM_006302.3(MOGS):c.1916G>A (p.Ser639Asn)

Gene: MOGS (mannosyl-oligosaccharide glucosidase; minus strand). Cytogenetic location: 2p13.1.
Variant type: single nucleotide variant.
Coding change: c.1916G>A on transcript NM_006302.3 (MANE Select); coding-DNA position 1916, G replaced by A.
Protein change: p.Ser639Asn; replaces serine 639 with asparagine.
Molecular consequence: missense variant.
Genome position (GRCh38, 1-based): chr2:74,461,873, C>T on the plus strand (G>A on the coding strand, the complement: MOGS is on the minus strand). VCF-style: chr2-74461873-C-T. GRCh37 (hg19) VCF-style: chr2-74689000-C-T.
Other names: c.1916G>A, p.Ser639Asn (LRG_1226t1); c.1598G>A, p.Ser533Asn (NM_001146158.2); short protein forms S639N, S533N.
Identifiers: ClinVar variation 566317 (VCV000566317.8), dbSNP rs1481203014, ClinGen allele CA347369617.